The following is an entry in ClinVar:

ClinVar aggregate classification (germline): Pathogenic (0 of 4 stars; one submission).
ClinVar aggregate classification (somatic clinical impact): Tier I - Strong (1 of 4 stars; one submission).
ClinVar aggregate classification (oncogenicity): Likely oncogenic (0 of 4 stars; one submission).

Conditions:
Gastrointestinal stromal tumor. Also called: Gastrointestinal stromal tumor, somatic; Gastrointestinal stroma tumor. Identifiers: Orphanet 44890, MedGen C0238198, MeSH D046152, MONDO:0011719, OMIM 606764, HP:0100723.
Germinoma. Also called: Germinoma (disease). Identifiers: MedGen C0206660, MONDO:0002598, HP:0100620.

Submissions (3):

Institute for Genomic Medicine (IGM) Clinical Laboratory, Nationwide Children's Hospital
Classification: Tier I - Strong for Germinoma. Assertion type: diagnostic. Clinical significance: supports diagnosis. Last evaluated: 2024-08-01. Review status: criteria provided, single submitter. Criteria: AMP/ASCO/CAP Guidelines, 2017. Collection method: clinical testing. Allele origin: somatic. Affected: yes.
Comment: Variant has Tier I (strong) clinical significance as a diagnostic inclusion criterion in germinoma, based on the following evidence: 1) Documented in one or more cancer databases (e.g., St. Jude Pecan, COSMIC, CIViC, OncoKB). 2) Appears in one or more well-established professional guidelines (e.g., World Health Organization [WHO]; National Comprehensive Cancer Network [NCCN]) as providing diagnostic, prognostic, or therapeutic information. 3) Information in the literature supports potential biologic effect of variant (PMID: 9438854). 4) Diagnostic for a specific tumor type/classification based on well-powered studies with expert-level consensus (Evidence Level B; PMIDs: 24452629, 24896186, 27391150).

OMIM
Classification: Pathogenic for GASTROINTESTINAL STROMAL TUMOR, SOMATIC. Last evaluated: 1998-01-23. Review status: no assertion criteria provided. Collection method: literature only. Allele origin: somatic.

National Institute of Cancer Research, National Health Research Institutes
Classification: Likely oncogenic for Gastrointestinal stromal tumor. Review status: no assertion criteria provided. Collection method: research. Allele origin: somatic. Affected: yes. Observed: 9 variant alleles.
Comment: the literature

Literature cited by the submitters: PubMed 9438854 (cited by Institute for Genomic Medicine (IGM) Clinical Laboratory, Nationwide Children's Hospital and OMIM); PubMed 24452629 (cited by Institute for Genomic Medicine (IGM) Clinical Laboratory, Nationwide Children's Hospital); PubMed 24896186 (cited by Institute for Genomic Medicine (IGM) Clinical Laboratory, Nationwide Children's Hospital); PubMed 27391150 (cited by Institute for Genomic Medicine (IGM) Clinical Laboratory, Nationwide Children's Hospital).

NM_000222.3(KIT):c.1676T>A (p.Val559Asp)

Gene: KIT (KIT proto-oncogene, receptor tyrosine kinase; plus strand). Cytogenetic location: 4q12.
Variant type: single nucleotide variant.
Coding change: c.1676T>A on transcript NM_000222.3 (MANE Select); coding-DNA position 1676, T replaced by A.
Protein change: p.Val559Asp; replaces valine 559 with aspartic acid.
Molecular consequence: missense variant.
Genome position (GRCh38, 1-based): chr4:54,727,444, T>A. VCF-style: chr4-54727444-T-A. GRCh37 (hg19) VCF-style: chr4-55593610-T-A.
Other names: c.1664T>A, p.Val555Asp (NM_001093772.2, NM_001385286.1); c.1679T>A, p.Val560Asp (NM_001385284.1, NM_001385290.1); c.1676T>A, p.Val559Asp (NM_001385285.1); c.1667T>A, p.Val556Asp (NM_001385288.1, NM_001385292.1); short protein forms V559D, V555D, V556D, V560D.
Identifiers: ClinVar variation 13856 (VCV000013856.3), dbSNP rs121913517, ClinGen allele CA123522.
Genomic context (GRCh38, chr4:54,727,444, plus strand): 5'-AAGGTGATCTATTTTTCCCTTTCTCCCCACAGAAACCCATGTATGAAGTACAGTGGAAGG[T>A]TGTTGAGGAGATAAATGGAAACAATTATGTTTACATAGACCCAACACAACTTCCTTATGA-3'
Protein context (NP_000213.1, residues 549-569): QKPMYEVQWK[Val559Asp]VEEINGNNYV